The following is an entry in ClinVar:

ClinVar aggregate classification (germline): Likely benign. Review status: criteria provided, multiple submitters, no conflicts (2 of 4 stars). 3 submissions from 3 submitters: Likely benign (3). Last evaluated 2026-01-28.

Allele frequency attached by ClinVar (database versions not stated): ExAC 0.00002; gnomAD exomes 0.00003 and 0.00005; TOPMed 0.00003; gnomAD 0.00004; ESP Exome Variant Server 0.00008.
gnomAD v4.1: 73 of 1,612,434 alleles (0.0045%); highest among the groups gnomAD compares: Non-Finnish European, 0.006%; no homozygotes.

Submissions (3):

Labcorp Genetics (formerly Invitae), Labcorp
Classification: Likely benign. Last evaluated: 2026-01-28. Review status: criteria provided, single submitter. Criteria: Invitae Variant Classification Sherloc (09022015). Collection method: clinical testing. Allele origin: germline.

Mayo Clinic Laboratories, Mayo Clinic
Classification: Likely benign. Last evaluated: 2025-01-27. Review status: criteria provided, single submitter. Criteria: ACMG Guidelines, 2015. Collection method: clinical testing. Allele origin: germline. Observed: 2 variant alleles.
Comment: BP4, BP7

CeGaT Center for Human Genetics Tuebingen
Classification: Likely benign. Last evaluated: 2024-10-01. Review status: criteria provided, single submitter. Criteria: CeGaT Center For Human Genetics Tuebingen Variant Classification Criteria Version 2. Collection method: clinical testing. Allele origin: germline. Affected: yes. Observed: 1 variant allele.
Comment: ERCC8: BP4, BP7

NM_000082.4(ERCC8):c.546A>G (p.Leu182=)

Gene: ERCC8 (ERCC excision repair 8, CSA ubiquitin ligase complex subunit; minus strand). Cytogenetic location: 5q12.1.
Variant type: single nucleotide variant.
Coding change: c.546A>G on transcript NM_000082.4 (MANE Select); coding-DNA position 546, A replaced by G.
Protein change: p.Leu182=; no amino-acid change (leucine 182 retained).
Molecular consequence: synonymous variant.
Genome position (GRCh38, 1-based): chr5:60,903,652, T>C on the plus strand (A>G on the coding strand, the complement: ERCC8 is on the minus strand). VCF-style: chr5-60903652-T-C. GRCh37 (hg19) VCF-style: chr5-60199479-T-C.
Other names: p.Leu182=; c.372A>G, p.Leu124= (NM_001007233.3); c.546A>G, p.Leu182= (NM_001007234.3); c.87A>G, p.Leu29= (NM_001290285.2).
Identifiers: ClinVar variation 777975 (VCV000777975.25), dbSNP rs140185830, ClinGen allele CA3277820.